The following is an entry in ClinVar:

NM_024678.6(NARS2):c.1262+6G>A

Gene: NARS2 (asparaginyl-tRNA synthetase 2, mitochondrial; minus strand). Cytogenetic location: 11q14.1.
Variant type: single nucleotide variant.
Coding change: c.1262+6G>A on transcript NM_024678.6 (MANE Select); 6 bases into the intron after coding-DNA position 1262, G replaced by A.
Molecular consequence: intron variant.
Genome position (GRCh38, 1-based): chr11:78,443,655, C>T on the plus strand (G>A on the coding strand, the complement: NARS2 is on the minus strand). VCF-style: chr11-78443655-C-T. GRCh37 (hg19) VCF-style: chr11-78154701-C-T.
Other names: c.581+6G>A (NM_001243251.2).
Identifiers: ClinVar variation 381863 (VCV000381863.43), dbSNP rs185461968, ClinGen allele CA6205544.

ClinVar aggregate classification (germline): Conflicting classifications of pathogenicity. Review status: criteria provided, conflicting classifications (1 of 4 stars). 6 submissions from 6 submitters: Uncertain significance (3); Likely benign (2). 1 of the submissions does not count toward it. Last evaluated 2024-11-13.

Conditions:
Inborn genetic diseases. Identifiers: MedGen C0950123, MeSH D030342.
NARS2-related disorder. Also called: NARS2-related condition.

Allele frequency attached by ClinVar (database versions not stated): gnomAD 0.00037 and 0.00038; gnomAD exomes 0.00037 and 0.00064; TOPMed 0.00037; 1000 Genomes Project 0.00040; ExAC 0.00044; 1000 Genomes Project 30x 0.00047; ESP Exome Variant Server 0.00054.
gnomAD v4.1: 975 of 1,602,082 alleles (0.061%); highest among the groups gnomAD compares: Non-Finnish European, 0.079%; 1 homozygote.

Submissions (6):

Blueprint Genetics
Classification: Likely benign. Last evaluated: 2024-11-13. Review status: criteria provided, single submitter. Criteria: ACMG Guidelines, 2015. Collection method: clinical testing. Allele origin: germline.

Ambry Genetics
Classification: Uncertain significance for Inborn genetic diseases. Last evaluated: 2022-06-02. Review status: criteria provided, single submitter. Criteria: Ambry Variant Classification Scheme 2023. Collection method: clinical testing. Allele origin: germline.
Comment: The c.1262+6G>A intronic alteration consists of a G to A substitution nucleotides after coding exon 12 in the NARS2 gene. Based on insufficient or conflicting evidence, the clinical significance of this alteration remains unclear.

Labcorp Genetics (formerly Invitae), Labcorp
Classification: Uncertain significance. Last evaluated: 2022-02-05. Review status: criteria provided, single submitter. Criteria: Invitae Variant Classification Sherloc (09022015). Collection method: clinical testing. Allele origin: germline.
Comment: This sequence change falls in intron 12 of the NARS2 gene. It does not directly change the encoded amino acid sequence of the NARS2 protein. It affects a nucleotide within the consensus splice site. This variant is present in population databases (rs185461968, gnomAD 0.07%). This variant has not been reported in the literature in individuals affected with NARS2-related conditions. ClinVar contains an entry for this variant (Variation ID: 381863). Variants that disrupt the consensus splice site are a relatively common cause of aberrant splicing (PMID: 17576681, 9536098). Algorithms developed to predict the effect of sequence changes on RNA splicing suggest that this variant may disrupt the consensus splice site. In summary, the available evidence is currently insufficient to determine the role of this variant in disease. Therefore, it has been classified as a Variant of Uncertain Significance.

CeGaT Center for Human Genetics Tuebingen
Classification: Uncertain significance. Last evaluated: 2022-01-01. Review status: criteria provided, single submitter. Criteria: CeGaT Center For Human Genetics Tuebingen Variant Classification Criteria Version 2. Collection method: clinical testing. Allele origin: germline. Affected: yes. Observed: 1 variant allele.

GeneDx
Classification: Likely benign. Last evaluated: 2020-08-26. Review status: criteria provided, single submitter. Criteria: GeneDx Variant Classification Process June 2021. Collection method: clinical testing. Allele origin: germline. Affected: yes.

PreventionGenetics, part of Exact Sciences
Classification: Likely benign for NARS2-related condition. Last evaluated: 2019-10-15. Review status: no assertion criteria provided. Collection method: clinical testing. Allele origin: germline. Not counted in ClinVar's aggregate classification.
Comment: This variant is classified as likely benign based on ACMG/AMP sequence variant interpretation guidelines (Richards et al. 2015 PMID: 25741868, with internal and published modifications).

Literature cited by the submitters: PubMed 17576681 (cited by Labcorp Genetics (formerly Invitae), Labcorp); PubMed 9536098 (cited by Labcorp Genetics (formerly Invitae), Labcorp).